The following is an entry in ClinVar:

ClinVar aggregate classification (germline): Uncertain significance. Review status: criteria provided, multiple submitters, no conflicts (2 of 4 stars). 2 submissions from 2 submitters: Uncertain significance (2). Last evaluated 2022-07-12.

Conditions:
Brugada syndrome. Also called: Sudden unexpected nocturnal death syndrome; Sudden unexplained nocturnal death syndrome; Sudden Unexplained Death Syndrome; Sudden Unexplained Nocturnal Death Syndrome (SUNDS). Identifiers: Orphanet 130, MedGen C1142166, MONDO:0015263.
Cardiovascular phenotype. Identifiers: MedGen CN230736.

Allele frequency attached by ClinVar (database versions not stated): gnomAD exomes 0.00001; ExAC 0.00002.
gnomAD v4.1: 4 of 1,613,800 alleles (0.00025%); highest among the groups gnomAD compares: Non-Finnish European, 0.00034%; no homozygotes.

Submissions (2):

Labcorp Genetics (formerly Invitae), Labcorp
Classification: Uncertain significance for Brugada syndrome. Last evaluated: 2022-07-12. Review status: criteria provided, single submitter. Criteria: Invitae Variant Classification Sherloc (09022015). Collection method: clinical testing. Allele origin: germline.
Comment: This variant has not been reported in the literature in individuals affected with SCN10A-related conditions. In summary, the available evidence is currently insufficient to determine the role of this variant in disease. Therefore, it has been classified as a Variant of Uncertain Significance. Algorithms developed to predict the effect of sequence changes on RNA splicing suggest that this variant may create or strengthen a splice site. ClinVar contains an entry for this variant (Variation ID: 1422343). This variant is present in population databases (rs758224718, gnomAD 0.003%). This sequence change affects codon 688 of the SCN10A mRNA. It is a 'silent' change, meaning that it does not change the encoded amino acid sequence of the SCN10A protein.

Ambry Genetics
Classification: Uncertain significance for Cardiovascular phenotype. Last evaluated: 2021-07-28. Review status: criteria provided, single submitter. Criteria: Ambry Variant Classification Scheme 2023. Collection method: clinical testing. Allele origin: germline.
Comment: The c.2064C>T variant (also known as p.G688G), located in coding exon 13 of the SCN10A gene, results from a C to T substitution at nucleotide position 2064. This nucleotide substitution does not change the amino acid at codon 688. This nucleotide position is not well conserved in available vertebrate species. In silico splice site analysis predicts that this alteration may result in the creation or strengthening of a novel splice donor site. Since supporting evidence is limited at this time, the clinical significance of this alteration remains unclear.

NM_006514.4(SCN10A):c.2064C>T (p.Gly688=)

Gene: SCN10A (sodium voltage-gated channel alpha subunit 10; minus strand). Cytogenetic location: 3p22.2.
Variant type: single nucleotide variant.
Coding change: c.2064C>T on transcript NM_006514.4 (MANE Select); coding-DNA position 2064, C replaced by T.
Protein change: p.Gly688=; no amino-acid change (glycine 688 retained).
Molecular consequence: synonymous variant.
Genome position (GRCh38, 1-based): chr3:38,742,333, G>A on the plus strand (C>T on the coding strand, the complement: SCN10A is on the minus strand). VCF-style: chr3-38742333-G-A. GRCh37 (hg19) VCF-style: chr3-38783824-G-A.
Other names: c.2064C>T, p.Gly688= (NM_001293306.2); c.1770C>T, p.Gly590= (NM_001293307.2).
Identifiers: ClinVar variation 1422343 (VCV001422343.8), dbSNP rs758224718, ClinGen allele CA2320665.